The following is an entry in ClinVar:

ClinVar aggregate classification (germline): Uncertain significance (1 of 4 stars; one submission).

Conditions:
Hyperaldosteronism, familial, type IV (HALD4). Also called: FH IV; ALDOSTERONISM, PRIMARY, AND HYPERTENSION. Identifiers: Orphanet 642671, MedGen C4310756, MONDO:0014875, OMIM 617027.
Idiopathic generalized epilepsy. Also called: Generalised epilepsy; EIG. Identifiers: MedGen C0270850, MONDO:0005579, OMIM 600669.

gnomAD v4.1: 2 of 1,436,082 alleles (0.00014%); highest among the groups gnomAD compares: Non-Finnish European, 0.00018%; no homozygotes.

Submission:

Labcorp Genetics (formerly Invitae), Labcorp
Classification: Uncertain significance for Idiopathic generalized epilepsy; Hyperaldosteronism, familial, type IV. Last evaluated: 2025-03-11. Review status: criteria provided, single submitter. Criteria: Invitae Variant Classification Sherloc (09022015). Collection method: clinical testing. Allele origin: germline.
Comment: This sequence change replaces proline, which is neutral and non-polar, with alanine, which is neutral and non-polar, at codon 50 of the CACNA1H protein (p.Pro50Ala). This variant is not present in population databases (gnomAD no frequency). This variant has not been reported in the literature in individuals affected with CACNA1H-related conditions. Invitae Evidence Modeling of protein sequence and biophysical properties (such as structural, functional, and spatial information, amino acid conservation, physicochemical variation, residue mobility, and thermodynamic stability) indicates that this missense variant is not expected to disrupt CACNA1H protein function with a negative predictive value of 95%. In summary, the available evidence is currently insufficient to determine the role of this variant in disease. Therefore, it has been classified as a Variant of Uncertain Significance.

NM_021098.3(CACNA1H):c.148C>G (p.Pro50Ala)

Gene: CACNA1H (calcium voltage-gated channel subunit alpha1 H; plus strand). Cytogenetic location: 16p13.3.
Variant type: single nucleotide variant.
Coding change: c.148C>G on transcript NM_021098.3 (MANE Select); coding-DNA position 148, C replaced by G.
Protein change: p.Pro50Ala; replaces proline 50 with alanine.
Molecular consequence: missense variant.
Genome position (GRCh38, 1-based): chr16:1,153,885, C>G. VCF-style: chr16-1153885-C-G. GRCh37 (hg19) VCF-style: chr16-1203885-C-G.
Other names: c.148C>G, p.Pro50Ala (NM_001005407.2); short protein forms P50A.
Identifiers: ClinVar variation 4789024 (VCV004789024.1).
Genomic context (GRCh38, chr16:1,153,885, plus strand): 5'-CCGGAGAGCCCCGGGGCGCCGGGACGCGAGGCGGAGCGGGGGTCCGAGCTCGGCGTGTCA[C>G]CCTCCGAGAGCCCGGCGGCCGAGCGCGGCGCGGAGCTGGGTGCCGACGAGGAGCAGCGCG-3'
Protein context (NP_066921.2, residues 40-60): AERGSELGVS[Pro50Ala]SESPAAERGA